The following is an entry in ClinVar:

NM_017780.4(CHD7):c.8366C>T (p.Ala2789Val)

Gene: CHD7 (chromodomain helicase DNA binding protein 7; plus strand). Cytogenetic location: 8q12.2.
Variant type: single nucleotide variant.
Coding change: c.8366C>T on transcript NM_017780.4 (MANE Select); coding-DNA position 8366, C replaced by T.
Protein change: p.Ala2789Val; replaces alanine 2789 with valine.
Molecular consequence: missense variant.
Genome position (GRCh38, 1-based): chr8:60,865,305, C>T. VCF-style: chr8-60865305-C-T. GRCh37 (hg19) VCF-style: chr8-61777864-C-T.
Other names: c.2219C>T, p.Ala740Val (NM_001316690.1); short protein forms A2789V, A740V.
Identifiers: ClinVar variation 197037 (VCV000197037.35), dbSNP rs376934539, ClinGen allele CA244940.
Genomic context (GRCh38, chr8:60,865,305, plus strand): 5'-TGGCAGGCCTCATGGGCTTCCCTCCAGGACTGGCAACAGCTGCCACCGCCGGAGGCGATG[C>T]GAAGAACCCTGCTGCTGTGCTGCCCCTGATGCTGCCAGGAATGGCGGGCCTGCCCAACGT-3'
Protein context (NP_060250.2, residues 2779-2799): LATAATAGGD[Ala2789Val]KNPAAVLPLM

ClinVar aggregate classification (germline): Conflicting classifications of pathogenicity. Review status: criteria provided, conflicting classifications (1 of 4 stars). 10 submissions from 10 submitters: Uncertain significance (3); Likely benign (4). 3 of the submissions do not count toward it. Last evaluated 2026-01-20.

Conditions:
Inborn genetic diseases. Identifiers: MedGen C0950123, MeSH D030342.
CHARGE syndrome (CHARGE). Also called: Coloboma, heart anomaly, choanal atresia, retardation, genital and ear anomalies; CHARGE association; Hall-Hittner syndrome; CHARGE ASSOCIATION--COLOBOMA, HEART ANOMALY, CHOANAL ATRESIA, RETARDATION, GENITAL AND EAR ANOMALIES; Hittner Hirsch Kreh syndrome. Identifiers: Orphanet 138, MedGen C0265354, MONDO:0008965.
Hypogonadotropic hypogonadism 5 with or without anosmia (KAL5). Also called: HYPOGONADOTROPIC HYPOGONADISM 5 WITH ANOSMIA; HYPOGONADOTROPHIC HYPOGONADISM 5 WITHOUT ANOSMIA; CHD7-Related GnRH Deficiency (Kallmann Syndrome 5). Identifiers: Orphanet 478, MedGen C3552553, MONDO:0012880, OMIM 612370. Disease mechanism: loss of function.

Allele frequency attached by ClinVar (database versions not stated): ESP Exome Variant Server 0.00008; gnomAD 0.00019; 1000 Genomes Project 0.00020; TOPMed 0.00022; 1000 Genomes Project 30x 0.00031.
gnomAD v4.1: 151 of 1,611,066 alleles (0.0094%); highest among the groups gnomAD compares: Middle Eastern, 0.066%; 1 homozygote.

Submissions (10):

Labcorp Genetics (formerly Invitae), Labcorp
Classification: Likely benign for CHARGE syndrome. Last evaluated: 2026-01-20. Review status: criteria provided, single submitter. Criteria: Invitae Variant Classification Sherloc (09022015). Collection method: clinical testing. Allele origin: germline.

CeGaT Center for Human Genetics Tuebingen
Classification: Likely benign. Last evaluated: 2025-06-01. Review status: criteria provided, single submitter. Criteria: CeGaT Center For Human Genetics Tuebingen Variant Classification Criteria Version 2. Collection method: clinical testing. Allele origin: germline. Affected: yes. Observed: 1 variant allele.
Comment: CHD7: BP4, BS1:Supporting

Blueprint Genetics
Classification: Likely benign. Last evaluated: 2023-12-29. Review status: criteria provided, single submitter. Criteria: ACMG Guidelines, 2015. Collection method: clinical testing. Allele origin: germline.

Revvity Omics, Revvity
Classification: Uncertain significance. Last evaluated: 2022-07-01. Review status: criteria provided, single submitter. Criteria: ACMG Guidelines, 2015. Collection method: clinical testing. Allele origin: germline.

Fulgent Genetics
Classification: Uncertain significance for CHD7-related CHARGE syndrome; Hypogonadotropic hypogonadism 5 with or without anosmia. Last evaluated: 2022-02-16. Review status: criteria provided, single submitter. Criteria: ACMG Guidelines, 2015. Collection method: clinical testing. Allele origin: unknown.

Ambry Genetics
Classification: Likely benign for Inborn genetic diseases. Last evaluated: 2018-03-10. Review status: criteria provided, single submitter. Criteria: Ambry Variant Classification Scheme 2023. Collection method: clinical testing. Allele origin: germline.

Eurofins Ntd Llc (ga)
Classification: Uncertain significance. Last evaluated: 2014-07-07. Review status: criteria provided, single submitter. Criteria: EGL Classification Definitions 2015. Collection method: clinical testing. Allele origin: germline. Observed: 1 variant allele, 1 heterozygote.

Clinical Genetics DNA and cytogenetics Diagnostics Lab, Erasmus MC, Erasmus Medical Center
Classification: Likely benign. Review status: no assertion criteria provided. Collection method: clinical testing. Allele origin: germline. Affected: yes. Study: VKGL Data-share Consensus. Not counted in ClinVar's aggregate classification.

Department of Pathology and Laboratory Medicine, Sinai Health System
Classification: Likely benign. Review status: no assertion criteria provided. Collection method: clinical testing. Allele origin: unknown. Affected: yes. Study: The Canadian Open Genetics Repository (COGR). Not counted in ClinVar's aggregate classification.
Comment: The CHD7 p.Ala2789Val variant was identified in 1 of 438 proband chromosomes (frequency: 0.0023) from individuals or families with Kallmann Syndrome (Costa-Barbosa_2013_PMID:23533228). The variant was identified in dbSNP (ID: rs376934539) and ClinVar (classified as uncertain significance by Invitae and EGL Genetics). The variant was identified in control databases in 25 of 274676 chromosomes at a frequency of 0.00009102 (Genome Aggregation Database March 6, 2019, v2.1.1). The variant was observed in the following populations: Other in 4 of 7010 chromosomes (freq: 0.000571), African in 11 of 23378 chromosomes (freq: 0.000471), European (non-Finnish) in 8 of 125762 chromosomes (freq: 0.000064), European (Finnish) in 1 of 24348 chromosomes (freq: 0.000041) and South Asian in 1 of 29956 chromosomes (freq: 0.000033), but was not observed in the Latino, Ashkenazi Jewish, or East Asian populations. The p.Ala2789 residue is not conserved in mammals and computational analyses (PolyPhen-2, SIFT, AlignGVGD, BLOSUM, MutationTaster) do not suggest a high likelihood of impact to the protein; however, this information is not predictive enough to rule out pathogenicity. The variant occurs outside of the splicing consensus sequence and in silico or computational prediction software programs (SpliceSiteFinder, MaxEntScan, NNSPLICE, GeneSplicer) do not predict a difference in splicing. In summary, based on the above information the clinical significance of this variant cannot be determined with certainty at this time although we would lean towards a more benign role for this variant. This variant is classified as likely benign.

Diagnostic Laboratory, Department of Genetics, University Medical Center Groningen
Classification: Likely benign. Review status: no assertion criteria provided. Collection method: clinical testing. Allele origin: germline. Affected: yes. Study: VKGL Data-share Consensus. Not counted in ClinVar's aggregate classification.

Literature cited by the submitters: PubMed 23533228 (cited by Ambry Genetics); PubMed 25472840 (cited by Ambry Genetics).